The following is an entry in ClinVar:

NM_001042603.3(KDM5A):c.2476T>G (p.Leu826Val)

Gene: KDM5A (lysine demethylase 5A; minus strand). Cytogenetic location: 12p13.33.
Variant type: single nucleotide variant.
Coding change: c.2476T>G on transcript NM_001042603.3 (MANE Select); coding-DNA position 2476, T replaced by G.
Protein change: p.Leu826Val; replaces leucine 826 with valine.
Molecular consequence: missense variant.
Genome position (GRCh38, 1-based): chr12:321,060, A>C on the plus strand (T>G on the coding strand, the complement: KDM5A is on the minus strand). VCF-style: chr12-321060-A-C. GRCh37 (hg19) VCF-style: chr12-430226-A-C.
Other names: short protein forms L826V.
Identifiers: ClinVar variation 5037369 (VCV005037369.1).

ClinVar aggregate classification (germline): Uncertain significance (1 of 4 stars; one submission).

gnomAD v4.1: 1 of 1,614,176 alleles (0.000062%); highest among the groups gnomAD compares: South Asian, 0.0011%; no homozygotes.

Submission:

GeneDx
Classification: Uncertain significance. Last evaluated: 2026-04-17. Review status: criteria provided, single submitter. Criteria: GeneDx Variant Classification Process June 2021. Collection method: clinical testing. Allele origin: germline.
Comment: Not observed at significant frequency in large population cohorts (gnomAD); In silico analysis supports that this missense variant has a deleterious effect on protein structure/function; Has not been previously published as pathogenic or benign to our knowledge